The following is an entry in ClinVar:

NM_002317.7(LOX):c.634C>A (p.Leu212Ile)

Genes: LOX (lysyl oxidase; minus strand), SRFBP1 (serum response factor binding protein 1; plus strand). Cytogenetic location: 5q23.1.
Variant type: single nucleotide variant.
Coding change: c.634C>A on transcript NM_002317.7 (MANE Select); coding-DNA position 634, C replaced by A.
Protein change: p.Leu212Ile; replaces leucine 212 with isoleucine.
Molecular consequence: missense variant. On other transcripts: 5 prime UTR variant (1), intron variant (1).
Genome position (GRCh38, 1-based): chr5:122,076,999, G>T on the plus strand (C>A on the coding strand, the complement: LOX is on the minus strand). VCF-style: chr5-122076999-G-T. GRCh37 (hg19) VCF-style: chr5-121412694-G-T.
Other names: c.-57C>A (NM_001178102.2); c.-152+93C>A (NM_001317073.1); short protein forms L212I.
Identifiers: ClinVar variation 2586591 (VCV002586591.2), dbSNP rs758722282, ClinGen allele CA3383975.

ClinVar aggregate classification (germline): Uncertain significance (1 of 4 stars; one submission).

Conditions:
Cardiovascular phenotype. Identifiers: MedGen CN230736.

gnomAD v4.1: 4 of 1,613,126 alleles (0.00025%); highest among the groups gnomAD compares: South Asian, 0.0044%; no homozygotes.

Submission:

Ambry Genetics
Classification: Uncertain significance for Cardiovascular phenotype. Last evaluated: 2023-09-08. Review status: criteria provided, single submitter. Criteria: Ambry Variant Classification Scheme 2023. Collection method: clinical testing. Allele origin: germline.
Comment: The p.L212I variant (also known as c.634C>A), located in coding exon 2 of the LOX gene, results from a C to A substitution at nucleotide position 634. The leucine at codon 212 is replaced by isoleucine, an amino acid with highly similar properties. This amino acid position is conserved. In addition, this alteration is predicted to be tolerated by in silico analysis. Since supporting evidence is limited at this time, the clinical significance of this alteration remains unclear.